The following is an entry in ClinVar:

ClinVar aggregate classification (germline): Uncertain significance (1 of 4 stars; one submission).

Submission:

Women's Health and Genetics/Laboratory Corporation of America, LabCorp
Classification: Uncertain significance. Last evaluated: 2020-04-10. Review status: criteria provided, single submitter. Criteria: LabCorp Variant Classification Summary - May 2015. Collection method: clinical testing. Allele origin: germline.
Comment: Variant summary: PHF8 c.-45_-44insGA is located in the untranslated mRNA region upstream of the initiation codon in transcript NM_015107.2 (canonical transcript). However, in a less commonly used transcript NM_001184896.1, this variant is predicted to result in a frameshift in the coding region (c.64_65insGA; p.T22fs*32). The variant was absent in 143100 control chromosomes. The available data on variant occurrences in the general population are insufficient to allow any conclusion about variant significance. To our knowledge, no occurrence of c.-45_-44insGA in individuals affected with X-linked Intellectual Disability Syndrome, Siderius Type and no experimental evidence demonstrating its impact on protein function have been reported. In addition, there are no other pathogenic citations for other 5'-UTR variants in association with X-linked Intellectual Disability in HGMD or ClinVar. No clinical diagnostic laboratories have submitted clinical-significance assessments for this variant to ClinVar after 2014. Based on the evidence outlined above, the variant was classified as uncertain significance.

NM_015107.3(PHF8):c.-45_-44insGA

Gene: PHF8 (PHD finger protein 8; minus strand). Cytogenetic location: Xp11.22.
Variant type: Insertion.
Coding change: c.-45_-44insGA on transcript NM_015107.3 (MANE Select); 45 bases upstream of the start codon through 44 bases upstream of the start codon, GA inserted.
Molecular consequence: 5 prime UTR variant. On other transcripts: frameshift variant (1).
Genome position: GRCh38 VCF-style: chrX-54042772-G-GTC. GRCh37 (hg19) VCF-style: chrX-54069205-G-GTC.
Other names: c.64_65insGA, p.Thr22fs (NM_001184896.1); c.-45_-44insGA (NM_001184897.2, NM_001184898.2); short protein forms T22fs.
Identifiers: ClinVar variation 917780 (VCV000917780.1), dbSNP rs1347554525, ClinGen allele CA413249996.